The following is an entry in ClinVar:

NM_001110556.2(FLNA):c.4311T>C (p.Pro1437=)

Gene: FLNA (filamin A; minus strand). Cytogenetic location: Xq28.
Variant type: single nucleotide variant.
Coding change: c.4311T>C on transcript NM_001110556.2 (MANE Select); coding-DNA position 4311, T replaced by C.
Protein change: p.Pro1437=; no amino-acid change (proline 1437 retained).
Molecular consequence: synonymous variant.
Genome position (GRCh38, 1-based): chrX:154,359,147, A>G on the plus strand (T>C on the coding strand, the complement: FLNA is on the minus strand). VCF-style: chrX-154359147-A-G. GRCh37 (hg19) VCF-style: chrX-153587515-A-G.
Other names: c.4311T>C, p.Pro1437= (NM_001456.4); c.4311T>C (NM_001110556.1, NM_001456.3).
Identifiers: ClinVar variation 1082122 (VCV001082122.11), dbSNP rs953607378, ClinGen allele CA337279329.
Genomic context (GRCh38, chrX:154,359,147, plus strand): 5'-GCCGGGCCCAGAGCACTTGACCTTGGACGCATCTGTCACATCATGCACAGGGACCTTGAA[A>G]GGACTGCCTGAGGGTTGGGGCAAAGGGATGGCGGCTGTATGAGACAGGGTGGGGACGAGC-3'
Protein context (NP_001104026.1, residues 1427-1447): TYGGHQVPGS[Pro1437=]FKVPVHDVTD

ClinVar aggregate classification (germline): Likely benign. Review status: criteria provided, multiple submitters, no conflicts (2 of 4 stars). 3 submissions from 3 submitters: Likely benign (3). Last evaluated 2026-07-21.

Conditions:
Frontometaphyseal dysplasia (FMD1). Identifiers: Orphanet 1826, MedGen C0265293, MONDO:0015942.
Melnick-Needles syndrome (MNS). Also called: Melnick-Needles Syndrome (FLNA-MNS); MELNICK-NEEDLES OSTEODYSPLASTY; OSTEODYSPLASTY OF MELNICK AND NEEDLES. Identifiers: Orphanet 2484, MedGen C0025237, MONDO:0010650, OMIM 309350.
Heterotopia, periventricular, X-linked dominant (PVNH1). Also called: PERIVENTRICULAR NODULAR HETEROTOPIA 4; HETEROTOPIA, PERIVENTRICULAR, 1; PERIVENTRICULAR NODULAR HETEROTOPIA 1; X-linked periventricular heterotopia. Identifiers: Orphanet 2149, Orphanet 82004, MedGen C1848213, MONDO:0010233, OMIM 300049.
Oto-palato-digital syndrome, type II (OPD2). Also called: Otopalatodigital Syndrome, Type II; Otopalatodigital Syndrome Type 2 (FLNA-OPD2); FACIOPALATOOSSEOUS SYNDROME; OPD II SYNDROME. Identifiers: Orphanet 669, Orphanet 90652, MedGen C1844696, MONDO:0010571, OMIM 304120.
FLNA-related disorder.
Familial thoracic aortic aneurysm and aortic dissection (TAAD). Also called: Thoracic aortic aneurysms and dissections. Identifiers: Orphanet 91387, MedGen C4707243, MONDO:0019625.

Allele frequency attached by ClinVar (database versions not stated): gnomAD exomes 0.00001.
gnomAD v4.1: 4 of 1,211,365 alleles (0.00033%); highest among the groups gnomAD compares: Non-Finnish European, 0.00045%; no homozygotes.

Submissions (3):

Ambry Genetics
Classification: Likely benign for Familial thoracic aortic aneurysm and aortic dissection. Last evaluated: 2026-07-21. Review status: criteria provided, single submitter. Criteria: Ambry Variant Classification Scheme 2023. Collection method: clinical testing. Allele origin: germline.

Labcorp Genetics (formerly Invitae), Labcorp
Classification: Likely benign for Oto-palato-digital syndrome, type II; Heterotopia, periventricular, X-linked dominant; Frontometaphyseal dysplasia; Melnick-Needles syndrome. Last evaluated: 2026-02-03. Review status: criteria provided, single submitter. Criteria: Invitae Variant Classification Sherloc (09022015). Collection method: clinical testing. Allele origin: germline.

PreventionGenetics, part of Exact Sciences
Classification: Likely benign for FLNA-related condition. Last evaluated: 2025-04-08. Review status: criteria provided, single submitter. Criteria: ACMG Guidelines, 2015. Collection method: clinical testing. Allele origin: germline.
Comment: This variant is classified as likely benign based on ACMG/AMP sequence variant interpretation guidelines (Richards et al. 2015 PMID: 25741868, with internal and published modifications).